The following is an entry in ClinVar:

ClinVar aggregate classification (germline): Uncertain significance (1 of 4 stars; one submission).

Conditions:
Perry syndrome. Also called: PARKINSONISM WITH ALVEOLAR HYPOVENTILATION AND MENTAL DEPRESSION. Identifiers: Orphanet 178509, MedGen C1868594, MONDO:0008201, OMIM 168605.
Neuronopathy, distal hereditary motor, type 7B. Also called: HMN VIIB; Distal Hereditary Motor Neuronopathy Type 7B (dHMN7B); LOWER MOTOR NEURON DISEASE, DYNACTIN TYPE; NEURONOPATHY, DISTAL HEREDITARY MOTOR, AUTOSOMAL DOMINANT 14; NEURONOPATHY, DISTAL HEREDITARY MOTOR, HARDING TYPE VIIB; NEUROPATHY, DISTAL HEREDITARY MOTOR, HARDING TYPE VIIB. Identifiers: Orphanet 139589, MedGen C1843315, MONDO:0011879, OMIM 607641.
Amyotrophic lateral sclerosis type 1 (ALS1). Also called: AMYOTROPHIC LATERAL SCLEROSIS 1, FAMILIAL. Identifiers: Orphanet 803, MedGen C1862939, MONDO:0007103, OMIM 105400.

Allele frequency attached by ClinVar (database versions not stated): gnomAD exomes below 0.00001.
gnomAD v4.1: 3 of 1,614,126 alleles (0.00019%); highest among the groups gnomAD compares: Non-Finnish European, 0.00017%; no homozygotes.

Submission:

Labcorp Genetics (formerly Invitae), Labcorp
Classification: Uncertain significance for Amyotrophic lateral sclerosis type 1; Neuronopathy, distal hereditary motor, type 7B; Perry syndrome. Last evaluated: 2022-03-08. Review status: criteria provided, single submitter. Criteria: Invitae Variant Classification Sherloc (09022015). Collection method: clinical testing. Allele origin: germline.
Comment: In summary, the available evidence is currently insufficient to determine the role of this variant in disease. Therefore, it has been classified as a Variant of Uncertain Significance. Algorithms developed to predict the effect of sequence changes on RNA splicing suggest that this variant may create or strengthen a splice site. Algorithms developed to predict the effect of missense changes on protein structure and function are either unavailable or do not agree on the potential impact of this missense change (SIFT: "Deleterious"; PolyPhen-2: "Benign"; Align-GVGD: "Class C0"). This variant has not been reported in the literature in individuals affected with DCTN1-related conditions. This variant is not present in population databases (gnomAD no frequency). This sequence change replaces alanine, which is neutral and non-polar, with valine, which is neutral and non-polar, at codon 2 of the DCTN1 protein (p.Ala2Val).

NM_004082.5(DCTN1):c.5C>T (p.Ala2Val)

Gene: DCTN1 (dynactin subunit 1; minus strand). Cytogenetic location: 2p13.1.
Variant type: single nucleotide variant.
Coding change: c.5C>T on transcript NM_004082.5 (MANE Select); coding-DNA position 5, C replaced by T.
Protein change: p.Ala2Val; replaces alanine 2 with valine.
Molecular consequence: missense variant. On other transcripts: intron variant (3).
Genome position (GRCh38, 1-based): chr2:74,380,033, G>A on the plus strand (C>T on the coding strand, the complement: DCTN1 is on the minus strand). VCF-style: chr2-74380033-G-A. GRCh37 (hg19) VCF-style: chr2-74607160-G-A.
Other names: c.5C>T, p.Ala2Val (NM_001135040.3, NM_001190837.2); c.-18-1788C>T (NM_001190836.2, NM_001378992.1, NM_001378991.1); short protein forms A2V.
Identifiers: ClinVar variation 1492087 (VCV001492087.8), dbSNP rs1675439973, ClinGen allele CA347324286.
Genomic context (GRCh38, chr2:74,380,033, plus strand): 5'-CTCCAGGGCCATCCCAGATTAGGGCCACTTACCCGGCTGTACACGTGCCTCTTGCTCTGT[G>A]CCATGTTGCTCACCCGGCCTCTACCCCCTCCCCCAGCTGGCCAAAGACAGAGAGAAAAGG-3'
Protein context (NP_004073.2, residues 1-12): M[Ala2Val]QSKRHVYSRT